The following is an entry in ClinVar:

NM_015046.7(SETX):c.3505A>G (p.Met1169Val)

Gene: SETX (senataxin; minus strand). Cytogenetic location: 9q34.13.
Variant type: single nucleotide variant.
Coding change: c.3505A>G on transcript NM_015046.7 (MANE Select); coding-DNA position 3505, A replaced by G.
Protein change: p.Met1169Val; replaces methionine 1169 with valine.
Molecular consequence: missense variant.
Genome position (GRCh38, 1-based): chr9:132,328,093, T>C on the plus strand (A>G on the coding strand, the complement: SETX is on the minus strand). VCF-style: chr9-132328093-T-C. GRCh37 (hg19) VCF-style: chr9-135203480-T-C.
Other names: c.3505A>G, p.Met1169Val (NM_001351527.2, NM_001351528.2); c.3505A>G (NM_015046.5); short protein forms M1169V.
Identifiers: ClinVar variation 1061954 (VCV001061954.41), dbSNP rs573849874, ClinGen allele CA5297390.

ClinVar aggregate classification (germline): Conflicting classifications of pathogenicity. Review status: criteria provided, conflicting classifications (1 of 4 stars). 4 submissions from 4 submitters: Uncertain significance (1); Benign (1); Likely benign (2). Last evaluated 2025-05-18.

Conditions:
Amyotrophic lateral sclerosis type 4 (ALS4). Also called: AMYOTROPHIC LATERAL SCLEROSIS 4, JUVENILE; NEURONOPATHY, DISTAL HEREDITARY MOTOR, WITH PYRAMIDAL FEATURES. Identifiers: Orphanet 357043, MedGen C1865409, MONDO:0011223, OMIM 602433.
Spinocerebellar ataxia, autosomal recessive, with axonal neuropathy 2 (SCAN2). Also called: ATAXIA-OCULOMOTOR APRAXIA 2; Ataxia-ocular apraxia-2; Ataxia with Oculomotor Apraxia; Ataxia with Oculomotor Apraxia Type 2. Identifiers: Orphanet 64753, MedGen C1853761, MONDO:0018996, OMIM 606002.
Inborn genetic diseases. Identifiers: MedGen C0950123, MeSH D030342.

Allele frequency attached by ClinVar (database versions not stated): TOPMed 0.00001; gnomAD 0.00006; gnomAD exomes 0.00007 and 0.00012; ExAC 0.00019; 1000 Genomes Project 0.00060; 1000 Genomes Project 30x 0.00062.

Submissions (4):

Ambry Genetics
Classification: Likely benign for Inborn genetic diseases. Last evaluated: 2025-05-18. Review status: criteria provided, single submitter. Criteria: Ambry Variant Classification Scheme 2023. Collection method: clinical testing. Allele origin: germline.

GeneDx
Classification: Uncertain significance. Last evaluated: 2025-01-21. Review status: criteria provided, single submitter. Criteria: GeneDx Variant Classification Process June 2021. Collection method: clinical testing. Allele origin: germline. Affected: yes.
Comment: In silico analysis indicates that this missense variant does not alter protein structure/function; Has not been previously published as pathogenic or benign to our knowledge

Labcorp Genetics (formerly Invitae), Labcorp
Classification: Benign for Amyotrophic lateral sclerosis type 4; Spinocerebellar ataxia, autosomal recessive, with axonal neuropathy 2. Last evaluated: 2023-07-07. Review status: criteria provided, single submitter. Criteria: Invitae Variant Classification Sherloc (09022015). Collection method: clinical testing. Allele origin: germline.

CeGaT Center for Human Genetics Tuebingen
Classification: Likely benign. Last evaluated: 2022-03-01. Review status: criteria provided, single submitter. Criteria: CeGaT Center For Human Genetics Tuebingen Variant Classification Criteria Version 2. Collection method: clinical testing. Allele origin: germline. Affected: yes. Observed: 1 variant allele.
Comment: SETX: BP4